The following is an entry in ClinVar:

NM_001111067.4(ACVR1):c.*183G>A

Gene: ACVR1 (activin A receptor type 1; minus strand). Cytogenetic location: 2q24.1.
Variant type: single nucleotide variant.
Coding change: c.*183G>A on transcript NM_001111067.4 (MANE Select); 183 bases downstream of the stop codon, G replaced by A.
Molecular consequence: 3 prime UTR variant.
Genome position (GRCh38, 1-based): chr2:157,737,348, C>T on the plus strand (G>A on the coding strand, the complement: ACVR1 is on the minus strand). VCF-style: chr2-157737348-C-T. GRCh37 (hg19) VCF-style: chr2-158593860-C-T.
Other names: c.*183G>A (NM_001105.5, NM_001347663.1, NM_001347664.1 and 3 more transcripts).
Identifiers: ClinVar variation 331683 (VCV000331683.5), dbSNP rs113598201, ClinGen allele CA10611070.
Genomic context (GRCh38, chr2:157,737,348, plus strand): 5'-TCCAACATTAGTCTCTGCAGTGTGAACAGTTCGTGAAATGCCCAGTTCACAGTCATCGAG[C>T]GAGGTTAGGGTGGTTTTGATGTCTCCCCAACACATGGCTGGGTACGACGTCTGCCTTGTC-3'

ClinVar aggregate classification (germline): Benign (1 of 4 stars; one submission).

Conditions:
Progressive myositis ossificans (FOP). Also called: Myositis ossificans progressiva; Progressive ossifying myositis; Fibrodysplasia Ossificans Progressiva. Identifiers: Orphanet 337, MedGen C0016037, MONDO:0007606, OMIM 135100.

Allele frequency attached by ClinVar (database versions not stated): gnomAD 0.00009 and 0.00055; TOPMed 0.00015; gnomAD exomes 0.00180; 1000 Genomes Project 30x 0.00234; 1000 Genomes Project 0.00240.
gnomAD v4.1: 1,062 of 715,198 alleles (0.15%); highest among the groups gnomAD compares: South Asian, 1.6%; 22 homozygotes.

Submission:

Illumina Laboratory Services, Illumina
Classification: Benign for Progressive myositis ossificans. Last evaluated: 2018-01-13. Review status: criteria provided, single submitter. Criteria: ICSL Variant Classification Criteria 13 December 2019. Collection method: clinical testing. Allele origin: germline.
Comment: This variant was observed in the ICSL laboratory as part of a predisposition screen in an ostensibly healthy population. It had not been previously curated by ICSL or reported in the Human Gene Mutation Database (HGMD: prior to June 1st, 2018), and was therefore a candidate for classification through an automated scoring system. Utilizing variant allele frequency, disease prevalence and penetrance estimates, and inheritance mode, an automated score was calculated to assess if this variant is too frequent to cause the disease. Based on the score and internal cut-off values, a variant classified as benign is not then subjected to further curation. The score for this variant resulted in a classification of benign for this disease.